The following is an entry in ClinVar:

ClinVar aggregate classification (germline): Likely pathogenic (0 of 4 stars; one submission).

Conditions:
21-Hydroxylase-Deficient Congenital Adrenal Hyperplasia. Also called: ADRENAL HYPERPLASIA III; ADRENAL HYPERPLASIA, CONGENITAL, DUE TO 21-HYDROXYLASE DEFICIENCY. Identifiers: MedGen C2936858, OMIM 201910.

Submission:

Department of Pediatric Endocrinology, Cukurova University Medical Faculty
Classification: Likely pathogenic for 21-Hydroxylase-Deficient Congenital Adrenal Hyperplasia. Review status: no assertion criteria provided. Collection method: clinical testing. Allele origin: maternal. Inheritance: Autosomal recessive inheritance. Affected: yes. Observed: 1 compound heterozygote.
Comment: NM_000500.9:c.961_963del was detected in trans with c.293-13C>G (pathogenic).

NM_000500.9(CYP21A2):c.958GAG[1] (p.Glu321del)

Genes: CYP21A2 (cytochrome P450 family 21 subfamily A member 2; plus strand), LOC106780800 (CYP21A2 recombination region; plus strand). Cytogenetic location: 6p21.33.
Variant type: Microsatellite.
Coding change: c.958GAG[1] on transcript NM_000500.9 (MANE Select); one copy of the 3-base unit GAG starting at c.958; the reference has two copies in a row; one copy, 3 bases deleted; also written c.961_963del.
Protein change: p.Glu321del; deletes glutamic acid 321.
Molecular consequence: inframe deletion.
Genome position (GRCh38, 1-based): chr6:32,040,427-32,040,429, GAG deleted; deleting any 3 consecutive bases within chr6:32,040,422-32,040,429 gives the same sequence; the position shown is the placement nearest the transcript's 3' end. VCF-style (leftmost placement, unchanged base first): chr6-32040421-CAGG-C. GRCh37 (hg19) VCF-style: chr6-32008198-CAGG-C.
Other names: c.868GAG[1], p.Glu291del (NM_001128590.4); c.553GAG[1], p.Glu186del (NM_001368143.2, NM_001368144.2); c.961_963del (NM_000500.9); short protein forms E291del, E321del, E186del.
Identifiers: ClinVar variation 623476 (VCV000623476.1), dbSNP rs1582309414, ClinGen allele CA915944197.